The following is an entry in ClinVar:

NM_002691.4(POLD1):c.1048T>G (p.Phe350Val)

Gene: POLD1 (DNA polymerase delta 1, catalytic subunit; plus strand). Cytogenetic location: 19q13.33.
Variant type: single nucleotide variant.
Coding change: c.1048T>G on transcript NM_002691.4 (MANE Select); coding-DNA position 1048, T replaced by G.
Protein change: p.Phe350Val; replaces phenylalanine 350 with valine.
Molecular consequence: missense variant. On other transcripts: non-coding transcript variant (1).
Genome position (GRCh38, 1-based): chr19:50,403,130, T>G. VCF-style: chr19-50403130-T-G. GRCh37 (hg19) VCF-style: chr19-50906387-T-G.
Other names: c.1048T>G, p.Phe350Val (NM_001256849.1, NM_001308632.1); short protein forms F350V.
Identifiers: ClinVar variation 3653165 (VCV003653165.2).

ClinVar aggregate classification (germline): Uncertain significance (1 of 4 stars; one submission).

Conditions:
POLD1-related polyposis and colorectal cancer syndrome (CRCS10). Also called: Colorectal cancer 10; COLORECTAL CANCER, SUSCEPTIBILITY TO, ON CHROMOSOME 19q; Colorectal cancer, susceptibility to, 10. Identifiers: Orphanet 220460, MedGen C2675481, MONDO:0012953, OMIM 612591.

Submission:

Labcorp Genetics (formerly Invitae), Labcorp
Classification: Uncertain significance for POLD1-related polyposis and colorectal cancer syndrome. Last evaluated: 2024-06-03. Review status: criteria provided, single submitter. Criteria: Invitae Variant Classification Sherloc (09022015). Collection method: clinical testing. Allele origin: germline.
Comment: This sequence change replaces phenylalanine, which is neutral and non-polar, with valine, which is neutral and non-polar, at codon 350 of the POLD1 protein (p.Phe350Val). This variant is not present in population databases (gnomAD no frequency). This variant has not been reported in the literature in individuals affected with POLD1-related conditions. Advanced modeling of protein sequence and biophysical properties (such as structural, functional, and spatial information, amino acid conservation, physicochemical variation, residue mobility, and thermodynamic stability) performed at Invitae indicates that this missense variant is not expected to disrupt POLD1 protein function with a negative predictive value of 80%. In summary, the available evidence is currently insufficient to determine the role of this variant in disease. Therefore, it has been classified as a Variant of Uncertain Significance.